The following is an entry in ClinVar:

NM_001371727.1(GABRB2):c.745A>G (p.Thr249Ala)

Gene: GABRB2 (gamma-aminobutyric acid type A receptor subunit beta2; minus strand). Cytogenetic location: 5q34.
Variant type: single nucleotide variant.
Coding change: c.745A>G on transcript NM_001371727.1 (MANE Select); coding-DNA position 745, A replaced by G.
Protein change: p.Thr249Ala; replaces threonine 249 with alanine.
Molecular consequence: missense variant.
Genome position (GRCh38, 1-based): chr5:161,334,839, T>C on the plus strand (A>G on the coding strand, the complement: GABRB2 is on the minus strand). VCF-style: chr5-161334839-T-C. GRCh37 (hg19) VCF-style: chr5-160761846-T-C.
Other names: c.745A>G, p.Thr249Ala (NM_000813.3, NM_021911.3); short protein forms T249A.
Identifiers: ClinVar variation 2002023 (VCV002002023.4), dbSNP rs2546558245, ClinGen allele CA362171661.

ClinVar aggregate classification (germline): Uncertain significance (1 of 4 stars; one submission).

Conditions:
Intellectual disability. Also called: Intellectual functioning disability; intellectual disabilities; Intellectual developmental disorder. Identifiers: MedGen C3714756, MeSH D008607, MONDO:0001071, HP:0001249.

Submission:

Labcorp Genetics (formerly Invitae), Labcorp
Classification: Uncertain significance for Intellectual disability. Last evaluated: 2023-11-28. Review status: criteria provided, single submitter. Criteria: Invitae Variant Classification Sherloc (09022015). Collection method: clinical testing. Allele origin: germline.
Comment: This sequence change replaces threonine, which is neutral and polar, with alanine, which is neutral and non-polar, at codon 249 of the GABRB2 protein (p.Thr249Ala). This variant is not present in population databases (gnomAD no frequency). This variant has not been reported in the literature in individuals affected with GABRB2-related conditions. ClinVar contains an entry for this variant (Variation ID: 2002023). Advanced modeling of protein sequence and biophysical properties (such as structural, functional, and spatial information, amino acid conservation, physicochemical variation, residue mobility, and thermodynamic stability) has been performed at Invitae for this missense variant, however the output from this modeling did not meet the statistical confidence thresholds required to predict the impact of this variant on GABRB2 protein function. In summary, the available evidence is currently insufficient to determine the role of this variant in disease. Therefore, it has been classified as a Variant of Uncertain Significance.